The following is an entry in ClinVar:

NM_021008.4(DEAF1):c.69_83del (p.Val25_Ala29del)

Gene: DEAF1 (DEAF1 transcription factor; minus strand). Cytogenetic location: 11p15.5.
Variant type: Deletion.
Coding change: c.69_83del on transcript NM_021008.4 (MANE Select); coding-DNA positions 69 to 83, 15 bases deleted (CGCTGTGGCGGCGGC).
Protein change: p.Val25_Ala29del.
Molecular consequence: inframe deletion. On other transcripts: inframe indel (1), intron variant (1).
Genome position (GRCh38, 1-based): chr11:694,965-694,979, GCCGCCGCCACAGCG deleted on the plus strand (CGCTGTGGCGGCGGC on the coding strand, the reverse complement: DEAF1 is on the minus strand); deleting any 15 consecutive bases within chr11:694,965-694,984 gives the same sequence; the c. name uses the placement nearest the transcript's 3' end. VCF-style (leftmost placement, unchanged base first): chr11-694964-CGCCGCCGCCACAGCG-C. GRCh37 (hg19) VCF-style: chr11-694964-CGCCGCCGCCACAGCG-C.
Other names: c.64_78delGCGGCCGCTGTGGCG, p.Val25_Ala29del (NM_001293634.2); c.-437-3381_-437-3367del (NM_001367390.1).
Identifiers: ClinVar variation 2442779 (VCV002442779.1), dbSNP rs2494507149, ClinGen allele CA2580083866.

ClinVar aggregate classification (germline): Uncertain significance (1 of 4 stars; one submission).

Submission:

GeneDx
Classification: Uncertain significance. Last evaluated: 2022-08-31. Review status: criteria provided, single submitter. Criteria: GeneDx Variant Classification Process June 2021. Collection method: clinical testing. Allele origin: germline. Affected: yes.
Comment: Not observed at significant frequency in large population cohorts (gnomAD); In-frame deletion of five amino acids in a non-repeat region; In silico analysis supports that this variant does not alter protein structure/function; Has not been previously published as pathogenic or benign to our knowledge